The following is an entry in ClinVar:

ClinVar aggregate classification (germline): Uncertain significance (1 of 4 stars; one submission).

Allele frequency attached by ClinVar (database versions not stated): ExAC 0.00003; TOPMed 0.00005; gnomAD exomes 0.00006; gnomAD 0.00007; ESP Exome Variant Server 0.00008; 1000 Genomes Project 30x 0.00016; 1000 Genomes Project 0.00020.
gnomAD v4.1: 104 of 1,614,086 alleles (0.0064%); highest among the groups gnomAD compares: Non-Finnish European, 0.0079%; no homozygotes.

Submission:

Labcorp Genetics (formerly Invitae), Labcorp
Classification: Uncertain significance. Last evaluated: 2023-11-03. Review status: criteria provided, single submitter. Criteria: Invitae Variant Classification Sherloc (09022015). Collection method: clinical testing. Allele origin: germline.
Comment: This sequence change replaces proline, which is neutral and non-polar, with leucine, which is neutral and non-polar, at codon 800 of the ARHGEF10 protein (p.Pro800Leu). This variant is present in population databases (rs375701326, gnomAD 0.009%). This variant has not been reported in the literature in individuals affected with ARHGEF10-related conditions. Advanced modeling of protein sequence and biophysical properties (such as structural, functional, and spatial information, amino acid conservation, physicochemical variation, residue mobility, and thermodynamic stability) has been performed at Invitae for this missense variant, however the output from this modeling did not meet the statistical confidence thresholds required to predict the impact of this variant on ARHGEF10 protein function. In summary, the available evidence is currently insufficient to determine the role of this variant in disease. Therefore, it has been classified as a Variant of Uncertain Significance.

NM_014629.4(ARHGEF10):c.2399C>T (p.Pro800Leu)

Gene: ARHGEF10 (Rho guanine nucleotide exchange factor 10; plus strand). Cytogenetic location: 8p23.3.
Variant type: single nucleotide variant.
Coding change: c.2399C>T on transcript NM_014629.4 (MANE Select); coding-DNA position 2399, C replaced by T.
Protein change: p.Pro800Leu; replaces proline 800 with leucine.
Molecular consequence: missense variant.
Genome position (GRCh38, 1-based): chr8:1,923,785, C>T. VCF-style: chr8-1923785-C-T. GRCh37 (hg19) VCF-style: chr8-1871951-C-T.
Other names: c.2285C>T, p.Pro762Leu (NM_001308152.2); c.2399C>T, p.Pro800Leu (NM_001308153.3); short protein forms P824L, P762L, P800L.
Identifiers: ClinVar variation 2982665 (VCV002982665.3), dbSNP rs375701326, ClinGen allele CA4600864.